The following is an entry in ClinVar:

ClinVar aggregate classification (germline): Likely benign (1 of 4 stars; one submission).

Conditions:
FNBP4-related disorder. Also called: FNBP4-related condition.

gnomAD v4.1: 5 of 1,608,884 alleles (0.00031%); highest among the groups gnomAD compares: Middle Eastern, 0.033%; no homozygotes.

Submission:

PreventionGenetics, part of Exact Sciences
Classification: Likely benign for FNBP4-related condition. Last evaluated: 2025-07-09. Review status: criteria provided, single submitter. Criteria: ACMG Guidelines, 2015. Collection method: clinical testing. Allele origin: germline.
Comment: This variant is classified as likely benign based on ACMG/AMP sequence variant interpretation guidelines (Richards et al. 2015 PMID: 25741868, with internal and published modifications).

NM_015308.5(FNBP4):c.2478A>G (p.Ala826=)

Gene: FNBP4 (formin binding protein 4; minus strand). Cytogenetic location: 11p11.2.
Variant type: single nucleotide variant.
Coding change: c.2478A>G on transcript NM_015308.5 (MANE Select); coding-DNA position 2478, A replaced by G.
Protein change: p.Ala826=; no amino-acid change (alanine 826 retained).
Molecular consequence: synonymous variant. On other transcripts: intron variant (1).
Genome position (GRCh38, 1-based): chr11:47,723,303, T>C on the plus strand (A>G on the coding strand, the complement: FNBP4 is on the minus strand). VCF-style: chr11-47723303-T-C. GRCh37 (hg19) VCF-style: chr11-47744855-T-C.
Other names: c.2484A>G, p.Ala828= (NM_001318339.4); c.2703A>G, p.Ala901= (NM_001441100.1, NM_001441101.1); c.2697A>G, p.Ala899= (NM_001441102.1); c.2391A>G, p.Ala797= (NM_001441103.1); c.2385A>G, p.Ala795= (NM_001441104.1); c.2199A>G, p.Ala733= (NM_001441105.1); c.2154A>G, p.Ala718= (NM_001441106.1); c.2028A>G, p.Ala676= (NM_001441107.1); and 1 more.
Identifiers: ClinVar variation 4987066 (VCV004987066.1).